The following is an entry in ClinVar:

NM_000057.4(BLM):c.2965T>C (p.Cys989Arg)

Gene: BLM (BLM RecQ like helicase; plus strand). Cytogenetic location: 15q26.1.
Variant type: single nucleotide variant.
Coding change: c.2965T>C on transcript NM_000057.4 (MANE Select); coding-DNA position 2965, T replaced by C.
Protein change: p.Cys989Arg; replaces cysteine 989 with arginine.
Molecular consequence: missense variant.
Genome position (GRCh38, 1-based): chr15:90,790,790, T>C. VCF-style: chr15-90790790-T-C. GRCh37 (hg19) VCF-style: chr15-91334020-T-C.
Other names: c.2965T>C, p.Cys989Arg (NM_001287246.2, NM_001287247.2); c.1840T>C, p.Cys614Arg (NM_001287248.2); short protein forms C989R, C614R.
Identifiers: ClinVar variation 454124 (VCV000454124.9), dbSNP rs1555423112, ClinGen allele CA393846513.

ClinVar aggregate classification (germline): Uncertain significance (1 of 4 stars; one submission).

Conditions:
Bloom syndrome (BLM). Also called: Bloom-Torre-Machacek syndrome. Identifiers: Orphanet 125, MedGen C0005859, MONDO:0008876, OMIM 210900.

Submission:

Labcorp Genetics (formerly Invitae), Labcorp
Classification: Uncertain significance for Bloom syndrome. Last evaluated: 2017-05-24. Review status: criteria provided, single submitter. Criteria: Invitae Variant Classification Sherloc (09022015). Collection method: clinical testing. Allele origin: germline.
Comment: This sequence change replaces cysteine with arginine at codon 989 of the BLM protein (p.Cys989Arg). The cysteine residue is highly conserved and there is a large physicochemical difference between cysteine and arginine. This variant is not present in population databases (ExAC no frequency). In summary, this variant has uncertain impact on BLM function. The available evidence is currently insufficient to determine its role in disease. Therefore, it has been classified as a Variant of Uncertain Significance. Algorithms developed to predict the effect of missense changes on protein structure and function do not agree on the potential impact of this missense change (SIFT: "Deleterious"; PolyPhen-2: "Probably Damaging"; Align-GVGD: "Class C0"). This variant has not been reported in the literature in individuals with a BLM-related disease.